The following is an entry in ClinVar:

ClinVar aggregate classification (germline): Uncertain significance. Review status: criteria provided, multiple submitters, no conflicts (2 of 4 stars). 2 submissions from 2 submitters: Uncertain significance (2). Last evaluated 2025-10-21.

Conditions:
Inborn genetic diseases. Identifiers: MedGen C0950123, MeSH D030342.

Allele frequency attached by ClinVar (database versions not stated): TOPMed 0.00009.
gnomAD v4.1: 166 of 1,613,748 alleles (0.01%); highest among the groups gnomAD compares: Non-Finnish European, 0.013%; no homozygotes.

Submissions (2):

Labcorp Genetics (formerly Invitae), Labcorp
Classification: Uncertain significance. Last evaluated: 2025-10-21. Review status: criteria provided, single submitter. Criteria: Invitae Variant Classification Sherloc (09022015). Collection method: clinical testing. Allele origin: germline.
Comment: This sequence change replaces arginine, which is basic and polar, with lysine, which is basic and polar, at codon 1551 of the ROBO1 protein (p.Arg1551Lys). This variant is present in population databases (rs373644190, gnomAD 0.01%). This variant has not been reported in the literature in individuals affected with ROBO1-related conditions. ClinVar contains an entry for this variant (Variation ID: 3155592). Invitae Evidence Modeling of protein sequence and biophysical properties (such as structural, functional, and spatial information, amino acid conservation, physicochemical variation, residue mobility, and thermodynamic stability) indicates that this missense variant is not expected to disrupt ROBO1 protein function with a negative predictive value of 95%. In summary, the available evidence is currently insufficient to determine the role of this variant in disease. Therefore, it has been classified as a Variant of Uncertain Significance.

Ambry Genetics
Classification: Uncertain significance for Inborn genetic diseases. Last evaluated: 2024-03-01. Review status: criteria provided, single submitter. Criteria: Ambry Variant Classification Scheme 2023. Collection method: clinical testing. Allele origin: germline.

NM_002941.4(ROBO1):c.4652G>A (p.Arg1551Lys)

Gene: ROBO1 (roundabout guidance receptor 1; minus strand). Cytogenetic location: 3p12.3.
Variant type: single nucleotide variant.
Coding change: c.4652G>A on transcript NM_002941.4 (MANE Select); coding-DNA position 4652, G replaced by A.
Protein change: p.Arg1551Lys; replaces arginine 1551 with lysine.
Molecular consequence: missense variant.
Genome position (GRCh38, 1-based): chr3:78,606,825, C>T on the plus strand (G>A on the coding strand, the complement: ROBO1 is on the minus strand). VCF-style: chr3-78606825-C-T. GRCh37 (hg19) VCF-style: chr3-78655975-C-T.
Other names: c.4517G>A, p.Arg1506Lys (NM_001145844.1, NM_133631.4); c.4352G>A, p.Arg1451Lys (NM_001145845.2); short protein forms R1451K, R1506K, R1551K.
Identifiers: ClinVar variation 3155592 (VCV003155592.2), dbSNP rs373644190, ClinGen allele CA2498004.